The following is an entry in ClinVar:

ClinVar aggregate classification (germline): Pathogenic/Likely pathogenic. Review status: criteria provided, multiple submitters, no conflicts (2 of 4 stars). 2 submissions from 2 submitters: Pathogenic (1); Likely pathogenic (1). Last evaluated 2026-09-22.

Conditions:
COL9A1-related disorder. Also called: COL9A1-related condition; COL9A1-related disorders.

Allele frequency attached by ClinVar (database versions not stated): ExAC 0.00002; gnomAD exomes 0.00002.
gnomAD v4.1: 15 of 1,614,100 alleles (0.00093%); highest among the groups gnomAD compares: East Asian, 0.0045%; no homozygotes.

Submissions (2):

PreventionGenetics, part of Exact Sciences
Classification: Likely pathogenic for COL9A1-related condition. Last evaluated: 2026-09-22. Review status: criteria provided, single submitter. Criteria: ACMG Guidelines, 2015. Collection method: clinical testing. Allele origin: germline.
Comment: The COL9A1 c.1852C>T variant is predicted to result in premature protein termination (p.Arg618*). This variant has been reported in the homozygous state in an individual with Stickler syndrome (Urtekin et al. 2026. DOI:10.12996/gmj.2025.4613). This variant is reported in 0.0099% of alleles in individuals of Ashkenazi Jewish descent in gnomAD. Nonsense variants in COL9A1 are expected to be pathogenic. This variant is interpreted as likely pathogenic.

Labcorp Genetics (formerly Invitae), Labcorp
Classification: Pathogenic. Last evaluated: 2026-01-30. Review status: criteria provided, single submitter. Criteria: Invitae Variant Classification Sherloc (09022015). Collection method: clinical testing. Allele origin: germline.
Comment: This sequence change creates a premature translational stop signal (p.Arg618*) in the COL9A1 gene. It is expected to result in an absent or disrupted protein product. Loss-of-function variants in COL9A1 are known to be pathogenic (PMID: 16909383, 21421862). This variant is present in population databases (rs764469753, gnomAD 0.01%). This variant has not been reported in the literature in individuals affected with COL9A1-related conditions. ClinVar contains an entry for this variant (Variation ID: 1378976). For these reasons, this variant has been classified as Pathogenic.

Literature cited by the submitters: PubMed 16909383 (cited by Labcorp Genetics (formerly Invitae), Labcorp); PubMed 21421862 (cited by Labcorp Genetics (formerly Invitae), Labcorp).

NM_001851.6(COL9A1):c.1852C>T (p.Arg618Ter)

Gene: COL9A1 (collagen type IX alpha 1 chain; minus strand). Cytogenetic location: 6q13.
Variant type: single nucleotide variant.
Coding change: c.1852C>T on transcript NM_001851.6 (MANE Select); coding-DNA position 1852, C replaced by T.
Protein change: p.Arg618Ter; replaces arginine 618 with a stop codon.
Molecular consequence: nonsense. On other transcripts: non-coding transcript variant (1).
Genome position (GRCh38, 1-based): chr6:70,252,140, G>A on the plus strand (C>T on the coding strand, the complement: COL9A1 is on the minus strand). VCF-style: chr6-70252140-G-A. GRCh37 (hg19) VCF-style: chr6-70961843-G-A.
Other names: c.1123C>T, p.Arg375Ter (NM_078485.4, NM_001377290.1); c.1852C>T (NM_001851.4); c.1153C>T, p.Arg385Ter (NM_001377289.1); short protein forms R375*, R385*, R618*.
Identifiers: ClinVar variation 1378976 (VCV001378976.7), dbSNP rs764469753, ClinGen allele CA3881980.